The following is an entry in ClinVar:

ClinVar aggregate classification (germline): Uncertain significance. Review status: criteria provided, multiple submitters, no conflicts (2 of 4 stars). 2 submissions from 2 submitters: Uncertain significance (2). Last evaluated 2025-12-15.

Conditions:
Inborn genetic diseases. Identifiers: MedGen C0950123, MeSH D030342.
Autosomal recessive severe congenital neutropenia due to CSF3R deficiency. Also called: Neutropenia, severe congenital, 7, autosomal recessive. Identifiers: Orphanet 420702, MedGen C4310764, MONDO:0014865, OMIM 617014.

Allele frequency attached by ClinVar (database versions not stated): TOPMed below 0.00001; gnomAD exomes below 0.00001.
gnomAD v4.1: 1 of 1,614,156 alleles (0.000062%); no homozygotes.

Submissions (2):

Labcorp Genetics (formerly Invitae), Labcorp
Classification: Uncertain significance for Autosomal recessive severe congenital neutropenia due to CSF3R deficiency. Last evaluated: 2025-12-15. Review status: criteria provided, single submitter. Criteria: Invitae Variant Classification Sherloc (09022015). Collection method: clinical testing. Allele origin: germline.
Comment: This sequence change replaces isoleucine, which is neutral and non-polar, with threonine, which is neutral and polar, at codon 629 of the CSF3R protein (p.Ile629Thr). This variant is present in population databases (no rsID available, gnomAD 0.01%). This variant has not been reported in the literature in individuals affected with CSF3R-related conditions. ClinVar contains an entry for this variant (Variation ID: 2310127). Invitae Evidence Modeling of protein sequence and biophysical properties (such as structural, functional, and spatial information, amino acid conservation, physicochemical variation, residue mobility, and thermodynamic stability) indicates that this missense variant is not expected to disrupt CSF3R protein function with a negative predictive value of 80%. In summary, the available evidence is currently insufficient to determine the role of this variant in disease. Therefore, it has been classified as a Variant of Uncertain Significance.

Ambry Genetics
Classification: Uncertain significance for Inborn genetic diseases. Last evaluated: 2022-09-06. Review status: criteria provided, single submitter. Criteria: Ambry Variant Classification Scheme 2023. Collection method: clinical testing. Allele origin: germline.

NM_000760.4(CSF3R):c.1886T>C (p.Ile629Thr)

Gene: CSF3R (colony stimulating factor 3 receptor; minus strand). Cytogenetic location: 1p34.3.
Variant type: single nucleotide variant.
Coding change: c.1886T>C on transcript NM_000760.4 (MANE Select); coding-DNA position 1886, T replaced by C.
Protein change: p.Ile629Thr; replaces isoleucine 629 with threonine.
Molecular consequence: missense variant.
Genome position (GRCh38, 1-based): chr1:36,467,630, A>G on the plus strand (T>C on the coding strand, the complement: CSF3R is on the minus strand). VCF-style: chr1-36467630-A-G. GRCh37 (hg19) VCF-style: chr1-36933231-A-G.
Other names: c.1886T>C, p.Ile629Thr (NM_156039.3, NM_172313.3); short protein forms I629T.
Identifiers: ClinVar variation 2310127 (VCV002310127.3), dbSNP rs1254834650, ClinGen allele CA339417322.
Genomic context (GRCh38, chr1:36,467,630, plus strand): 5'-CAGAGCCAGGCAGTTCCACAGAGGCAGGTGAGCAACAGCAGGAGGCCGAACAGGCCCAGG[A>G]TGATGTGTAGCTCCGACCCCTCTGCAGTGAGGGCAGGGCCGGAAGAAGTTAGAATGCATG-3'
Protein context (NP_000751.1, residues 619-639): LTPEGSELHI[Ile629Thr]LGLFGLLLLL